The following is an entry in ClinVar:

ClinVar aggregate classification (germline): Likely benign. Review status: criteria provided, multiple submitters, no conflicts (2 of 4 stars). 4 submissions from 4 submitters: Likely benign (4). Last evaluated 2025-09-10.

Conditions:
Hereditary cancer-predisposing syndrome. Also called: Hereditary neoplastic syndrome; Tumor predisposition; Hereditary Cancer Syndrome; Neoplastic Syndromes, Hereditary. Identifiers: Orphanet 140162, MedGen C0027672, MeSH D009386, MONDO:0015356.

Allele frequency attached by ClinVar (database versions not stated): gnomAD exomes below 0.00001 and 0.00001; gnomAD 0.00001; 1000 Genomes Project 30x 0.00016; 1000 Genomes Project 0.00020.
gnomAD v4.1: 11 of 1,614,124 alleles (0.00068%); highest among the groups gnomAD compares: Non-Finnish European, 0.00093%; no homozygotes.

Submissions (4):

Labcorp Genetics (formerly Invitae), Labcorp
Classification: Likely benign. Last evaluated: 2025-09-10. Review status: criteria provided, single submitter. Criteria: Invitae Variant Classification Sherloc (09022015). Collection method: clinical testing. Allele origin: germline.

CeGaT Center for Human Genetics Tuebingen
Classification: Likely benign. Last evaluated: 2024-11-01. Review status: criteria provided, single submitter. Criteria: CeGaT Center For Human Genetics Tuebingen Variant Classification Criteria Version 2. Collection method: clinical testing. Allele origin: germline. Affected: yes. Observed: 1 variant allele.
Comment: SMARCB1: BP4, BP7

Ambry Genetics
Classification: Likely benign for Hereditary cancer-predisposing syndrome. Last evaluated: 2020-02-10. Review status: criteria provided, single submitter. Criteria: Ambry Variant Classification Scheme 2023. Collection method: clinical testing. Allele origin: germline.

Genetic Services Laboratory, University of Chicago
Classification: Likely benign. Last evaluated: 2016-06-27. Review status: criteria provided, single submitter. Criteria: ACMG Guidelines, 2015. Collection method: clinical testing. Allele origin: germline. Affected: no.

NM_003073.5(SMARCB1):c.741C>G (p.Ser247=)

Gene: SMARCB1 (SWI/SNF related BAF chromatin remodeling complex subunit B1; plus strand). Cytogenetic location: 22q11.23.
Variant type: single nucleotide variant.
Coding change: c.741C>G on transcript NM_003073.5 (MANE Select); coding-DNA position 741, C replaced by G.
Protein change: p.Ser247=; no amino-acid change (serine 247 retained).
Molecular consequence: synonymous variant.
Genome position (GRCh38, 1-based): chr22:23,816,882, C>G. VCF-style: chr22-23816882-C-G. GRCh37 (hg19) VCF-style: chr22-24159069-C-G.
Other names: c.741C>G (LRG_520t1); c.714C>G, p.Ser238= (NM_001007468.3); c.768C>G, p.Ser256= (NM_001317946.2); c.795C>G, p.Ser265= (NM_001362877.2).
Identifiers: ClinVar variation 436815 (VCV000436815.32), dbSNP rs534183354, ClinGen allele CA322567968.